The following is an entry in ClinVar:

NM_003036.4(SKI):c.214C>T (p.Pro72Ser)

Gene: SKI (SKI proto-oncogene; plus strand). Cytogenetic location: 1p36.33.
Variant type: single nucleotide variant.
Coding change: c.214C>T on transcript NM_003036.4 (MANE Select); coding-DNA position 214, C replaced by T.
Protein change: p.Pro72Ser; replaces proline 72 with serine.
Molecular consequence: missense variant.
Genome position (GRCh38, 1-based): chr1:2,228,980, C>T. VCF-style: chr1-2228980-C-T. GRCh37 (hg19) VCF-style: chr1-2160419-C-T.
Other names: c.214C>T (NM_003036.3); short protein forms P72S.
Identifiers: ClinVar variation 2179453 (VCV002179453.4), dbSNP rs2527576481, ClinGen allele CA337952327.

ClinVar aggregate classification (germline): Uncertain significance. Review status: criteria provided, multiple submitters, no conflicts (2 of 4 stars). 2 submissions from 2 submitters: Uncertain significance (2). Last evaluated 2025-08-30.

Conditions:
Familial thoracic aortic aneurysm and aortic dissection (TAAD). Also called: Thoracic aortic aneurysms and dissections. Identifiers: Orphanet 91387, MedGen C4707243, MONDO:0019625.
Shprintzen-Goldberg syndrome (SGS). Also called: Marfanoid disorder with craniosynostosis type 1; Marfanoid craniosynostosis syndrome; Shprintzen-Goldberg marfanoid syndrome; SHPRINTZEN-GOLDBERG CRANIOSYNOSTOSIS SYNDROME; CRANIOSYNOSTOSIS WITH ARACHNODACTYLY AND ABDOMINAL HERNIAS. Identifiers: Orphanet 2462, MedGen C1321551, MONDO:0008426, OMIM 182212.

Allele frequency attached by ClinVar (database versions not stated): gnomAD exomes below 0.00001.
gnomAD v4.1: 5 of 1,475,812 alleles (0.00034%); highest among the groups gnomAD compares: South Asian, 0.0013%; no homozygotes.

Submissions (2):

Ambry Genetics
Classification: Uncertain significance for Familial thoracic aortic aneurysm and aortic dissection. Last evaluated: 2025-08-30. Review status: criteria provided, single submitter. Criteria: Ambry Variant Classification Scheme 2023. Collection method: clinical testing. Allele origin: germline.
Comment: The p.P72S variant (also known as c.214C>T), located in coding exon 1 of the SKI gene, results from a C to T substitution at nucleotide position 214. The proline at codon 72 is replaced by serine, an amino acid with similar properties. This amino acid position is conserved. In addition, the in silico prediction for this alteration is inconclusive. Based on the available evidence, the clinical significance of this variant remains unclear.

Labcorp Genetics (formerly Invitae), Labcorp
Classification: Uncertain significance for Shprintzen-Goldberg syndrome. Last evaluated: 2025-02-22. Review status: criteria provided, single submitter. Criteria: Invitae Variant Classification Sherloc (09022015). Collection method: clinical testing. Allele origin: germline.
Comment: This sequence change replaces proline, which is neutral and non-polar, with serine, which is neutral and polar, at codon 72 of the SKI protein (p.Pro72Ser). This variant is not present in population databases (gnomAD no frequency). This variant has not been reported in the literature in individuals affected with SKI-related conditions. ClinVar contains an entry for this variant (Variation ID: 2179453). Invitae Evidence Modeling of protein sequence and biophysical properties (such as structural, functional, and spatial information, amino acid conservation, physicochemical variation, residue mobility, and thermodynamic stability) indicates that this missense variant is not expected to disrupt SKI protein function with a negative predictive value of 95%. In summary, the available evidence is currently insufficient to determine the role of this variant in disease. Therefore, it has been classified as a Variant of Uncertain Significance.